The following is an entry in ClinVar:

NM_005219.5(DIAPH1):c.1734T>G (p.Ser578Arg)

Gene: DIAPH1 (diaphanous related formin 1; minus strand). Cytogenetic location: 5q31.3.
Variant type: single nucleotide variant.
Coding change: c.1734T>G on transcript NM_005219.5 (MANE Select); coding-DNA position 1734, T replaced by G.
Protein change: p.Ser578Arg; replaces serine 578 with arginine.
Molecular consequence: missense variant.
Genome position (GRCh38, 1-based): chr5:141,574,116, A>C on the plus strand (T>G on the coding strand, the complement: DIAPH1 is on the minus strand). VCF-style: chr5-141574116-A-C. GRCh37 (hg19) VCF-style: chr5-140953683-A-C.
Other names: c.1707T>G, p.Ser569Arg (NM_001079812.3); c.1734T>G, p.Ser578Arg (NM_001314007.2); short protein forms S569R, S578R.
Identifiers: ClinVar variation 2941809 (VCV002941809.3), dbSNP rs2513742238, ClinGen allele CA361521693.

ClinVar aggregate classification (germline): Uncertain significance (1 of 4 stars; one submission).

Conditions:
Progressive microcephaly-seizures-cortical blindness-developmental delay syndrome. Also called: Seizures, cortical blindness, and microcephaly syndrome. Identifiers: Orphanet 477814, MedGen C5567650, MONDO:0014714, OMIM 616632.
Autosomal dominant nonsyndromic hearing loss 1. Also called: KONIGSMARK SYNDROME; DEAFNESS, AUTOSOMAL DOMINANT 1, WITH OR WITHOUT THROMBOCYTOPENIA. Identifiers: Orphanet 90635, MedGen C1852282, MONDO:0007424, OMIM 124900.

Allele frequency attached by ClinVar (database versions not stated): gnomAD exomes below 0.00001.
gnomAD v4.1: 1 of 1,614,060 alleles (0.000062%); highest among the groups gnomAD compares: Admixed American, 0.0017%; no homozygotes.

Submission:

Labcorp Genetics (formerly Invitae), Labcorp
Classification: Uncertain significance for Progressive microcephaly-seizures-cortical blindness-developmental delay syndrome; Autosomal dominant nonsyndromic hearing loss 1. Last evaluated: 2022-12-27. Review status: criteria provided, single submitter. Criteria: Invitae Variant Classification Sherloc (09022015). Collection method: clinical testing. Allele origin: germline.
Comment: This sequence change replaces serine, which is neutral and polar, with arginine, which is basic and polar, at codon 578 of the DIAPH1 protein (p.Ser578Arg). This variant is not present in population databases (gnomAD no frequency). This variant has not been reported in the literature in individuals affected with DIAPH1-related conditions. Algorithms developed to predict the effect of missense changes on protein structure and function are either unavailable or do not agree on the potential impact of this missense change (SIFT: "Deleterious"; PolyPhen-2: "Not Available"; Align-GVGD: "Class C0"). In summary, the available evidence is currently insufficient to determine the role of this variant in disease. Therefore, it has been classified as a Variant of Uncertain Significance.